The following is an entry in ClinVar:

ClinVar aggregate classification (germline): Benign (1 of 4 stars; one submission).

Allele frequency attached by ClinVar (database versions not stated): 1000 Genomes Project 0.23442; 1000 Genomes Project 30x 0.24235; gnomAD 0.27986 and 0.28718; TOPMed 0.28148.
gnomAD v4.1: 42,566 of 152,108 alleles (28%); highest among the groups gnomAD compares: African/African-American, 31%; 6,140 homozygotes.

Submission:

GeneDx
Classification: Benign. Last evaluated: 2018-06-16. Review status: criteria provided, single submitter. Criteria: GeneDx Variant Classification (06012015). Collection method: clinical testing. Allele origin: germline. Affected: yes.
Comment: This variant is considered likely benign or benign based on one or more of the following criteria: it is a conservative change, it occurs at a poorly conserved position in the protein, it is predicted to be benign by multiple in silico algorithms, and/or has population frequency not consistent with disease.

NM_019892.6(INPP5E):c.1802+155G>A

Gene: INPP5E (inositol polyphosphate-5-phosphatase E; minus strand). Cytogenetic location: 9q34.3.
Variant type: single nucleotide variant.
Coding change: c.1802+155G>A on transcript NM_019892.6 (MANE Select); 155 bases into the intron after coding-DNA position 1802, G replaced by A.
Molecular consequence: intron variant.
Genome position (GRCh38, 1-based): chr9:136,430,122, C>T on the plus strand (G>A on the coding strand, the complement: INPP5E is on the minus strand). VCF-style: chr9-136430122-C-T. GRCh37 (hg19) VCF-style: chr9-139324574-C-T.
Other names: c.1799+155G>A (NM_001318502.2).
Identifiers: ClinVar variation 681971 (VCV000681971.1), dbSNP rs72775768, ClinGen allele CA13119887.